The following is an entry in ClinVar:

NM_133379.5(TTN):c.11253A>G (p.Arg3751=)

Gene: TTN (titin; minus strand). Cytogenetic location: 2q31.2.
Variant type: single nucleotide variant.
Coding change: c.11253A>G on transcript NM_133379.5; coding-DNA position 11253, A replaced by G.
Protein change: p.Arg3751=; no amino-acid change (arginine 3751 retained).
Molecular consequence: synonymous variant. On other transcripts: intron variant (6).
Genome position (GRCh38, 1-based): chr2:178,751,147, T>C on the plus strand (A>G on the coding strand, the complement: TTN is on the minus strand). VCF-style: chr2-178751147-T-C. GRCh37 (hg19) VCF-style: chr2-179615874-T-C.
Other names: c.10222+1977A>G (NM_003319.4); c.10798+1977A>G (NM_133437.4); c.10597+1977A>G (NM_133432.3); c.10360+1977A>G (NM_133378.4, NM_001256850.1); c.11311+1977A>G (NM_001267550.2); c.11253A>G (NM_133379.4).
Identifiers: ClinVar variation 47737 (VCV000047737.33), dbSNP rs374616494, ClinGen allele CA141801.

ClinVar aggregate classification (germline): Likely benign. Review status: criteria provided, multiple submitters, no conflicts (2 of 4 stars). 5 submissions from 5 submitters: Likely benign (4). 1 of the submissions does not count toward it. Last evaluated 2025-03-10.

Conditions:
TTN-related disorder. Also called: TTN-related condition; TTN-related disease; TTN-related disorders.

Allele frequency attached by ClinVar (database versions not stated): gnomAD 0.00007; ESP Exome Variant Server 0.00008; gnomAD exomes 0.00009 and 0.00021; ExAC 0.00016; TOPMed 0.00016.

Submissions (5):

ARUP Laboratories, Molecular Genetics and Genomics, ARUP Laboratories
Classification: Likely benign. Last evaluated: 2025-03-10. Review status: criteria provided, single submitter. Criteria: ARUP Molecular Germline Variant Investigation Process 2024. Collection method: clinical testing. Allele origin: germline.

Blueprint Genetics
Classification: Likely benign. Last evaluated: 2024-01-22. Review status: criteria provided, single submitter. Criteria: ACMG Guidelines, 2015. Collection method: clinical testing. Allele origin: germline.

CeGaT Center for Human Genetics Tuebingen
Classification: Likely benign. Last evaluated: 2024-01-01. Review status: criteria provided, single submitter. Criteria: CeGaT Center For Human Genetics Tuebingen Variant Classification Criteria Version 2. Collection method: clinical testing. Allele origin: germline. Affected: yes. Observed: 6 variant alleles.
Comment: TTN: BP4, BP7

Laboratory for Molecular Medicine, Mass General Brigham Personalized Medicine
Classification: Likely benign. Last evaluated: 2012-03-22. Review status: criteria provided, single submitter. Criteria: LMM Criteria. Collection method: clinical testing. Allele origin: germline. Observed: 1 variant allele.
Comment: Arg3751Arg in exon 45A of TTN: This variant is not expected to have clinical sig nificance because it does not alter an amino acid residue and is not located wit hin the splice consensus sequence. This variant has been identified in 0.01% (1/ 7006) of European American chromosomes from a broad population by the NHLBI Exom e Sequencing Project Arg3751Arg in exon 45A of TTN (allele frequency = 0.01%, 1/7006) **

PreventionGenetics, part of Exact Sciences
Classification: Likely benign for TTN-related condition. Last evaluated: 2020-04-28. Review status: no assertion criteria provided. Collection method: clinical testing. Allele origin: germline. Not counted in ClinVar's aggregate classification.
Comment: This variant is classified as likely benign based on ACMG/AMP sequence variant interpretation guidelines (Richards et al. 2015 PMID: 25741868, with internal and published modifications).